The following is an entry in ClinVar:

ClinVar aggregate classification (germline): Uncertain significance. Review status: criteria provided, multiple submitters, no conflicts (2 of 4 stars). 7 submissions from 7 submitters: Uncertain significance (7). Last evaluated 2025-11-11.

Conditions:
Hereditary cancer-predisposing syndrome. Also called: Neoplastic Syndromes, Hereditary; Hereditary Cancer Syndrome; Tumor predisposition; Hereditary neoplastic syndrome. Identifiers: Orphanet 140162, MedGen C0027672, MeSH D009386, MONDO:0015356.
Familial cancer of breast. Also called: BREAST CANCER, FAMILIAL; Hereditary breast cancer; hereditary breast carcinoma. Identifiers: Orphanet 227535, MedGen C0346153, MONDO:0016419, OMIM 114480. Disease mechanism: loss of function.

Allele frequency attached by ClinVar (database versions not stated): 1000 Genomes Project 0.00040; TOPMed below 0.00001; ExAC 0.00001; gnomAD below 0.00001 and 0.00003; gnomAD exomes 0.00001; 1000 Genomes Project 30x 0.00031.

Submissions (7):

Labcorp Genetics (formerly Invitae), Labcorp
Classification: Uncertain significance for Familial cancer of breast. Last evaluated: 2025-11-11. Review status: criteria provided, single submitter. Criteria: Invitae Variant Classification Sherloc (09022015). Collection method: clinical testing. Allele origin: germline.
Comment: This sequence change replaces glycine, which is neutral and non-polar, with aspartic acid, which is acidic and polar, at codon 656 of the BARD1 protein (p.Gly656Asp). This variant is present in population databases (rs572554455, gnomAD 0.006%). This missense change has been observed in individual(s) with neuroblastoma (PMID: 36187937). ClinVar contains an entry for this variant (Variation ID: 142451). An algorithm developed to predict the effect of missense changes on protein structure and function (PolyPhen-2) suggests that this variant is likely to be disruptive. In summary, the available evidence is currently insufficient to determine the role of this variant in disease. Therefore, it has been classified as a Variant of Uncertain Significance.

Women's Health and Genetics/Laboratory Corporation of America, LabCorp
Classification: Uncertain significance. Last evaluated: 2025-10-10. Review status: criteria provided, single submitter. Criteria: LabCorp Variant Classification Summary - May 2015. Collection method: clinical testing. Allele origin: germline.
Comment: Variant summary: BARD1 c.1967G>A (p.Gly656Asp) results in a non-conservative amino acid change in the encoded protein sequence. Algorithms developed to predict the effect of missense changes on protein structure and function are either unavailable or do not agree on the potential impact of this missense change. The variant allele was found at a frequency of 1.2e-05 in 251360 control chromosomes. The available data on variant occurrences in the general population are insufficient to allow any conclusion about variant significance. c.1967G>A has been observed in individual(s) affected with Breast Cancer. These report(s) do not provide unequivocal conclusions about association of the variant with Neuroblastoma (Maurer_2022). To our knowledge, no experimental evidence demonstrating an impact on protein function has been reported. The following publication have been ascertained in the context of this evaluation (PMID: 36187937). ClinVar contains an entry for this variant (Variation ID: 142451). Based on the evidence outlined above, the variant was classified as uncertain significance.

Ambry Genetics
Classification: Uncertain significance for Hereditary cancer-predisposing syndrome. Last evaluated: 2025-02-25. Review status: criteria provided, single submitter. Criteria: Ambry Variant Classification Scheme 2023. Collection method: clinical testing. Allele origin: germline.
Comment: The p.G656D variant (also known as c.1967G>A), located in coding exon 10 of the BARD1 gene, results from a G to A substitution at nucleotide position 1967. The glycine at codon 656 is replaced by aspartic acid, an amino acid with similar properties. This amino acid position is highly conserved in available vertebrate species. In addition, this alteration is predicted to be deleterious by in silico analysis. Since supporting evidence is limited at this time, the clinical significance of this alteration remains unclear.

GeneDx
Classification: Uncertain significance. Last evaluated: 2024-05-24. Review status: criteria provided, single submitter. Criteria: GeneDx Variant Classification Process June 2021. Collection method: clinical testing. Allele origin: germline.
Comment: Not observed at significant frequency in large population cohorts (gnomAD); In silico analysis supports that this missense variant has a deleterious effect on protein structure/function; Observed in a patient with neuroblastoma (PMID: 36187937); This variant is associated with the following publications: (PMID: 26307947, 36187937)

Baylor Genetics
Classification: Uncertain significance for Familial cancer of breast. Last evaluated: 2024-02-02. Review status: criteria provided, single submitter. Criteria: ACMG Guidelines, 2015. Collection method: clinical testing. Allele origin: unknown.

Color Diagnostics, LLC DBA Color Health
Classification: Uncertain significance for Hereditary cancer-predisposing syndrome. Last evaluated: 2024-01-05. Review status: criteria provided, single submitter. Criteria: ACMG Guidelines, 2015. Collection method: clinical testing. Allele origin: germline.
Comment: This missense variant replaces glycine with aspartic acid at codon 656 of the BARD1 protein. Computational prediction suggests that this variant may not impact protein structure and function. To our knowledge, functional studies have not been reported for this variant. This variant has been reported in an individual affected with neuroblastoma (PMID: 36187937). This variant has been identified in 3/251360 chromosomes in the general population by the Genome Aggregation Database (gnomAD). The available evidence is insufficient to determine the role of this variant in disease conclusively. Therefore, this variant is classified as a Variant of Uncertain Significance.

Fulgent Genetics
Classification: Uncertain significance for Familial cancer of breast. Last evaluated: 2018-10-31. Review status: criteria provided, single submitter. Criteria: ACMG Guidelines, 2015. Collection method: clinical testing. Allele origin: unknown.

Literature cited by the submitters: PubMed 36187937 (cited by 3 submitters).

NM_000465.4(BARD1):c.1967G>A (p.Gly656Asp)

Gene: BARD1 (BRCA1 associated RING domain 1; minus strand). Cytogenetic location: 2q35.
Variant type: single nucleotide variant.
Coding change: c.1967G>A on transcript NM_000465.4 (MANE Select); coding-DNA position 1967, G replaced by A.
Protein change: p.Gly656Asp; replaces glycine 656 with aspartic acid.
Molecular consequence: missense variant. On other transcripts: non-coding transcript variant (3).
Genome position (GRCh38, 1-based): chr2:214,730,445, C>T on the plus strand (G>A on the coding strand, the complement: BARD1 is on the minus strand). VCF-style: chr2-214730445-C-T. GRCh37 (hg19) VCF-style: chr2-215595169-C-T.
Other names: c.1910G>A, p.Gly637Asp (NM_001282543.2); c.614G>A, p.Gly205Asp (NM_001282545.2); c.557G>A, p.Gly186Asp (NM_001282548.2); c.428G>A, p.Gly143Asp (NM_001282549.2); short protein forms G656D, G143D, G186D, G205D, G637D.
Identifiers: ClinVar variation 142451 (VCV000142451.26), dbSNP rs572554455, ClinGen allele CA168392.